The following is an entry in ClinVar:

NM_198586.3(NHLRC1):c.182C>T (p.Pro61Leu)

Gene: NHLRC1 (NHL repeat containing E3 ubiquitin protein ligase 1; minus strand). Cytogenetic location: 6p22.3.
Variant type: single nucleotide variant.
Coding change: c.182C>T on transcript NM_198586.3 (MANE Select); coding-DNA position 182, C replaced by T.
Protein change: p.Pro61Leu; replaces proline 61 with leucine.
Molecular consequence: missense variant.
Genome position (GRCh38, 1-based): chr6:18,122,425, G>A on the plus strand (C>T on the coding strand, the complement: NHLRC1 is on the minus strand). VCF-style: chr6-18122425-G-A. GRCh37 (hg19) VCF-style: chr6-18122656-G-A.
Other names: short protein forms P61L.
Identifiers: ClinVar variation 942240 (VCV000942240.10), dbSNP rs1783757283, ClinGen allele CA362829377.

ClinVar aggregate classification (germline): Uncertain significance (1 of 4 stars; one submission).

Conditions:
Lafora disease. Also called: Epilepsy progressive myoclonic 2; Progressive Myoclonus Epilepsy, Lafora Type. Identifiers: Orphanet 501, MedGen C0751783, MONDO:0009697.

Submission:

Labcorp Genetics (formerly Invitae), Labcorp
Classification: Uncertain significance for Lafora disease. Last evaluated: 2019-09-09. Review status: criteria provided, single submitter. Criteria: Invitae Variant Classification Sherloc (09022015). Collection method: clinical testing. Allele origin: germline.
Comment: This sequence change replaces proline with leucine at codon 61 of the NHLRC1 protein (p.Pro61Leu). The proline residue is highly conserved and there is a moderate physicochemical difference between proline and leucine. This variant is not present in population databases (ExAC no frequency). This variant has not been reported in the literature in individuals with NHLRC1-related conditions. Algorithms developed to predict the effect of missense changes on protein structure and function are either unavailable or do not agree on the potential impact of this missense change (SIFT: "Deleterious"; PolyPhen-2: "Probably Damaging"; Align-GVGD: "Class C0"). In summary, the available evidence is currently insufficient to determine the role of this variant in disease. Therefore, it has been classified as a Variant of Uncertain Significance.